The following is an entry in ClinVar:

NM_001042492.3(NF1):c.4802C>G (p.Ala1601Gly)

Gene: NF1 (neurofibromin 1; plus strand). Cytogenetic location: 17q11.2.
Variant type: single nucleotide variant.
Coding change: c.4802C>G on transcript NM_001042492.3 (MANE Select); coding-DNA position 4802, C replaced by G.
Protein change: p.Ala1601Gly; replaces alanine 1601 with glycine.
Molecular consequence: missense variant.
Genome position (GRCh38, 1-based): chr17:31,265,306, C>G. VCF-style: chr17-31265306-C-G. GRCh37 (hg19) VCF-style: chr17-29592324-C-G.
Other names: c.4739C>G, p.Ala1580Gly (NM_000267.4); short protein forms A1580G, A1601G.
Identifiers: ClinVar variation 5008109 (VCV005008109.1).
Genomic context (GRCh38, chr17:31,265,306, plus strand): 5'-AAGAAGAATTCAAGGCTTTGAAAACGTTAAGTATTTTCTACCAAGCTGGGACTTCCAAAG[C>G]TGGGAATCCTATTTTTTATTATGTTGCACGGAGGTAAGAAATACTATGTTTTGGGTCTCT-3'
Protein context (NP_001035957.1, residues 1591-1611): SIFYQAGTSK[Ala1601Gly]GNPIFYYVAR

ClinVar aggregate classification (germline): Uncertain significance (1 of 4 stars; one submission).

Submission:

GeneDx
Classification: Uncertain significance. Last evaluated: 2026-03-11. Review status: criteria provided, single submitter. Criteria: GeneDx Variant Classification Process June 2021. Collection method: clinical testing. Allele origin: germline.
Comment: Not observed at significant frequency in large population cohorts (gnomAD); In silico analysis supports that this missense variant has a deleterious effect on protein structure/function; In silico analysis supports a deleterious effect on splicing; Has not been previously published as pathogenic or benign to our knowledge